The following is an entry in ClinVar:

ClinVar aggregate classification (germline): Pathogenic. Review status: reviewed by expert panel (3 of 4 stars). 3 submissions from 3 submitters: Pathogenic (1). 2 of the submissions do not count toward it. Last evaluated 2016-09-08.

Conditions:
Hereditary breast ovarian cancer syndrome. Also called: Hereditary breast and/or ovarian cancer syndrome; BRCA1- and BRCA2-Associated Hereditary Breast and Ovarian Cancer; Hereditary breast and ovarian cancer; Hereditary breast and ovarian cancer syndrome (HBOC); Breast and ovarian cancer; Hereditary breast and ovarian cancer syndrome. Identifiers: Orphanet 145, MedGen C0677776, MeSH D061325, MONDO:0003582. Disease mechanism: loss of function.
Breast-ovarian cancer, familial, susceptibility to, 2 (BROVCA2). Also called: BRCA2 Hereditary Breast and Ovarian Cancer. Identifiers: Orphanet 145, MedGen C2675520, MONDO:0012933, OMIM 612555. Disease mechanism: loss of function.

Submissions (3):

Evidence-based Network for the Interpretation of Germline Mutant Alleles (ENIGMA)
Classification: Pathogenic for Breast-ovarian cancer, familial, susceptibility to, 2. Last evaluated: 2016-09-08. Review status: reviewed by expert panel. Criteria: ENIGMA BRCA1/2 Classification Criteria (2015). Collection method: curation. Allele origin: germline.
Comment: Variant allele predicted to encode a truncated non-functional protein.

Labcorp Genetics (formerly Invitae), Labcorp
Classification: Pathogenic for Hereditary breast ovarian cancer syndrome. Last evaluated: 2024-04-23. Review status: criteria provided, single submitter. Criteria: Invitae Variant Classification Sherloc (09022015). Collection method: clinical testing. Allele origin: germline. Not counted in ClinVar's aggregate classification.
Comment: This sequence change creates a premature translational stop signal (p.Arg1217Glyfs*11) in the BRCA2 gene. It is expected to result in an absent or disrupted protein product. Loss-of-function variants in BRCA2 are known to be pathogenic (PMID: 20104584). This variant is not present in population databases (gnomAD no frequency). This premature translational stop signal has been observed in individual(s) with prostate cancer (PMID: 31214711). ClinVar contains an entry for this variant (Variation ID: 219514). For these reasons, this variant has been classified as Pathogenic.

Women's Health and Genetics/Laboratory Corporation of America, LabCorp
Classification: Likely pathogenic for Hereditary breast ovarian cancer syndrome. Last evaluated: 2016-03-21. Review status: criteria provided, single submitter. Criteria: LabCorp Variant Classification Summary - May 2015. Collection method: clinical testing. Allele origin: germline. Not counted in ClinVar's aggregate classification.
Comment: Variant summary: The BRCA2 c.3649delA variant results in a premature termination codon (p.Arg1217Glyfs*11), predicted to cause a truncated or absent BRCA2 protein due to non-sense mediated decay, which is a commonly known mechanism for HBOC. Truncations downstream of this position have been classified as pathogenic by our laboratory (e.g. p.Val1862fs). Mutation Taster predicts a damaging outcome for this variant. This variant was not found in 120752 control chromosomes and has not, to our knowledge, been reported in affected individuals via publications, nor evaluated for functional impact by in vivo/vitro studies. One clinical diagnostic lab classified the variant as pathogenic. Taken together, this variant was classified as likely pathogenic until additional information is available.

Literature cited by the submitters: PubMed 20104584 (cited by Labcorp Genetics (formerly Invitae), Labcorp); PubMed 31214711 (cited by Labcorp Genetics (formerly Invitae), Labcorp).

NM_000059.4(BRCA2):c.3649del (p.Arg1217fs)

Gene: BRCA2 (BRCA2 DNA repair associated; plus strand). Cytogenetic location: 13q13.1.
Variant type: Deletion.
Coding change: c.3649del on transcript NM_000059.4 (MANE Select); coding-DNA position 3649, one base deleted (A; older notation c.3649delA).
Protein change: p.Arg1217fs; shifts the reading frame from arginine 1217.
Molecular consequence: frameshift variant.
Genome position (GRCh38, 1-based): chr13:32,338,004, A deleted. VCF-style (leftmost placement, unchanged base first): chr13-32338003-TA-T. GRCh37 (hg19) VCF-style: chr13-32912140-TA-T.
Other names: c.3649delA (NM_000059.3); short protein forms R1217fs.
Identifiers: ClinVar variation 219514 (VCV000219514.12), dbSNP rs864622134, ClinGen allele CA348063.